The following is an entry in ClinVar:

NM_000492.4(CFTR):c.1967A>C (p.Glu656Ala)

Gene: CFTR (CF transmembrane conductance regulator; plus strand). Cytogenetic location: 7q31.2.
Variant type: single nucleotide variant.
Coding change: c.1967A>C on transcript NM_000492.4 (MANE Select); coding-DNA position 1967, A replaced by C.
Protein change: p.Glu656Ala; replaces glutamic acid 656 with alanine.
Molecular consequence: missense variant.
Genome position (GRCh38, 1-based): chr7:117,592,134, A>C. VCF-style: chr7-117592134-A-C. GRCh37 (hg19) VCF-style: chr7-117232188-A-C.
Other names: short protein forms E656A.
Identifiers: ClinVar variation 3266701 (VCV003266701.1).

ClinVar aggregate classification (germline): Uncertain significance (1 of 4 stars; one submission).

Conditions:
Cystic fibrosis (CF). Also called: MUCOVISCIDOSIS. Identifiers: Orphanet 586, MedGen C0010674, MONDO:0009061, OMIM 219700. Disease mechanism: loss of function.

Submission:

Ambry Genetics
Classification: Uncertain significance for Cystic fibrosis. Last evaluated: 2024-06-15. Review status: criteria provided, single submitter. Criteria: Ambry Variant Classification Scheme 2023. Collection method: clinical testing. Allele origin: germline.
Comment: The p.E656A variant (also known as c.1967A>C), located in coding exon 14 of the CFTR gene, results from an A to C substitution at nucleotide position 1967. The glutamic acid at codon 656 is replaced by alanine, an amino acid with dissimilar properties. This amino acid position is conserved. In addition, the in silico prediction for this alteration is inconclusive. Based on the available evidence, the clinical significance of this variant remains unclear.